The following is an entry in ClinVar:

NM_020366.4(RPGRIP1):c.155G>A (p.Arg52Gln)

Gene: RPGRIP1 (RPGR interacting protein 1; plus strand). Cytogenetic location: 14q11.2.
Variant type: single nucleotide variant.
Coding change: c.155G>A on transcript NM_020366.4 (MANE Select); coding-DNA position 155, G replaced by A.
Protein change: p.Arg52Gln; replaces arginine 52 with glutamine.
Molecular consequence: missense variant.
Genome position (GRCh38, 1-based): chr14:21,294,746, G>A. VCF-style: chr14-21294746-G-A. GRCh37 (hg19) VCF-style: chr14-21762905-G-A.
Other names: c.155G>A (NM_020366.3); short protein forms R52Q.
Identifiers: ClinVar variation 1389675 (VCV001389675.11), dbSNP rs374171080, ClinGen allele CA7088580.

ClinVar aggregate classification (germline): Uncertain significance. Review status: criteria provided, multiple submitters, no conflicts (2 of 4 stars). 5 submissions from 5 submitters: Uncertain significance (4). 1 of the submissions does not count toward it. Last evaluated 2025-01-01.

Conditions:
Retinal dystrophy. Also called: Inherited retinal dystrophy. Identifiers: Orphanet 71862, MedGen C0854723, MeSH D058499, MONDO:0019118, HP:0000556.
Inborn genetic diseases. Identifiers: MedGen C0950123, MeSH D030342.
Cone-rod dystrophy 13 (CORD13). Identifiers: Orphanet 1872, MedGen C2750720, MONDO:0011987, OMIM 608194.
Leber congenital amaurosis 6 (LCA6). Identifiers: Orphanet 65, MedGen C1854260, MONDO:0013446, OMIM 613826.

Allele frequency attached by ClinVar (database versions not stated): ESP Exome Variant Server 0.00008.
gnomAD v4.1: 26 of 1,610,706 alleles (0.0016%); highest among the groups gnomAD compares: Middle Eastern, 0.017%; no homozygotes.

Submissions (5):

Ambry Genetics
Classification: Uncertain significance for Inborn genetic diseases. Last evaluated: 2025-01-01. Review status: criteria provided, single submitter. Criteria: Ambry Variant Classification Scheme 2023. Collection method: clinical testing. Allele origin: germline.

Blueprint Genetics
Classification: Uncertain significance. Last evaluated: 2024-03-15. Review status: criteria provided, single submitter. Criteria: ACMG Guidelines, 2015. Collection method: clinical testing. Allele origin: germline.

Labcorp Genetics (formerly Invitae), Labcorp
Classification: Uncertain significance for Leber congenital amaurosis 6; Cone-rod dystrophy 13. Last evaluated: 2023-08-24. Review status: criteria provided, single submitter. Criteria: Invitae Variant Classification Sherloc (09022015). Collection method: clinical testing. Allele origin: germline.
Comment: In summary, the available evidence is currently insufficient to determine the role of this variant in disease. Therefore, it has been classified as a Variant of Uncertain Significance. This sequence change replaces arginine, which is basic and polar, with glutamine, which is neutral and polar, at codon 52 of the RPGRIP1 protein (p.Arg52Gln). This variant is present in population databases (rs374171080, gnomAD 0.006%). This variant has not been reported in the literature in individuals affected with RPGRIP1-related conditions. ClinVar contains an entry for this variant (Variation ID: 1389675). Advanced modeling of protein sequence and biophysical properties (such as structural, functional, and spatial information, amino acid conservation, physicochemical variation, residue mobility, and thermodynamic stability) performed at Invitae indicates that this missense variant is not expected to disrupt RPGRIP1 protein function.

Breakthrough Genomics
Classification: Uncertain significance. Review status: criteria provided, single submitter. Criteria: ACMG Guidelines, 2015. Collection method: not provided. Allele origin: germline. Inheritance: Autosomal recessive inheritance. Affected: yes.

Institute of Human Genetics, Univ. Regensburg, Univ. Regensburg
Classification: Uncertain significance for Retinal dystrophy. Last evaluated: 2022-01-01. Review status: no assertion criteria provided. Criteria: ACMG Guidelines, 2015. Collection method: clinical testing. Allele origin: germline. Affected: yes. Not counted in ClinVar's aggregate classification.